The following is an entry in ClinVar:

ClinVar aggregate classification (germline): Uncertain significance (1 of 4 stars; one submission).

Conditions:
Kabuki syndrome. Also called: NIIKAWA-KUROKI SYNDROME; Kabuki make-up syndrome. Identifiers: Orphanet 2322, MedGen C0796004, MONDO:0016512.

Submission:

Labcorp Genetics (formerly Invitae), Labcorp
Classification: Uncertain significance for Kabuki syndrome. Last evaluated: 2024-10-08. Review status: criteria provided, single submitter. Criteria: Invitae Variant Classification Sherloc (09022015). Collection method: clinical testing. Allele origin: germline.
Comment: This sequence change replaces proline, which is neutral and non-polar, with serine, which is neutral and polar, at codon 4865 of the KMT2D protein (p.Pro4865Ser). This variant is not present in population databases (gnomAD no frequency). This variant has not been reported in the literature in individuals affected with KMT2D-related conditions. ClinVar contains an entry for this variant (Variation ID: 1435660). Invitae Evidence Modeling of protein sequence and biophysical properties (such as structural, functional, and spatial information, amino acid conservation, physicochemical variation, residue mobility, and thermodynamic stability) indicates that this missense variant is not expected to disrupt KMT2D protein function with a negative predictive value of 95%. In summary, the available evidence is currently insufficient to determine the role of this variant in disease. Therefore, it has been classified as a Variant of Uncertain Significance.

NM_003482.4(KMT2D):c.14593C>T (p.Pro4865Ser)

Gene: KMT2D (lysine methyltransferase 2D; minus strand). Cytogenetic location: 12q13.12.
Variant type: single nucleotide variant.
Coding change: c.14593C>T on transcript NM_003482.4 (MANE Select); coding-DNA position 14593, C replaced by T.
Protein change: p.Pro4865Ser; replaces proline 4865 with serine.
Molecular consequence: missense variant.
Genome position (GRCh38, 1-based): chr12:49,027,853, G>A on the plus strand (C>T on the coding strand, the complement: KMT2D is on the minus strand). VCF-style: chr12-49027853-G-A. GRCh37 (hg19) VCF-style: chr12-49421636-G-A.
Other names: short protein forms P4865S.
Identifiers: ClinVar variation 1435660 (VCV001435660.8), dbSNP rs1196841237, ClinGen allele CA384694152.